The following is an entry in ClinVar:

NM_020708.5(SLC12A5):c.187A>G (p.Ser63Gly)

Gene: SLC12A5 (solute carrier family 12 member 5; plus strand). Cytogenetic location: 20q13.12.
Variant type: single nucleotide variant.
Coding change: c.187A>G on transcript NM_020708.5 (MANE Select); coding-DNA position 187, A replaced by G.
Protein change: p.Ser63Gly; replaces serine 63 with glycine.
Molecular consequence: missense variant.
Genome position (GRCh38, 1-based): chr20:46,035,443, A>G. VCF-style: chr20-46035443-A-G. GRCh37 (hg19) VCF-style: chr20-44664082-A-G.
Other names: c.256A>G, p.Ser86Gly (NM_001134771.2); short protein forms S63G, S86G.
Identifiers: ClinVar variation 3336558 (VCV003336558.1).
Genomic context (GRCh38, chr20:46,035,443, plus strand): 5'-ACTGACACCCTCCCTCCATAGGAGGAGATGGACACCAGCCCTATGGTGTCCTCCTTGCTC[A>G]GTGGCCTGGCCAACTACACCAACCTGCCCCAGGGAAGTAGGGAGCATGAAGAGGCAGAAA-3'
Protein context (NP_065759.1, residues 53-73): DTSPMVSSLL[Ser63Gly]GLANYTNLPQ

ClinVar aggregate classification (germline): Uncertain significance (1 of 4 stars; one submission).

gnomAD v4.1: 1 of 1,614,016 alleles (0.000062%); highest among the groups gnomAD compares: Admixed American, 0.0017%; no homozygotes.

Submission:

Women's Health and Genetics/Laboratory Corporation of America, LabCorp
Classification: Uncertain significance. Last evaluated: 2024-05-16. Review status: criteria provided, single submitter. Criteria: LabCorp Variant Classification Summary - May 2015. Collection method: clinical testing. Allele origin: germline.
Comment: Variant summary: SLC12A5 c.256A>G (p.Ser86Gly) results in a non-conservative amino acid change in the encoded protein sequence. Three of five in-silico tools predict a damaging effect of the variant on protein function. The variant allele was found at a frequency of 4e-06 in 251358 control chromosomes. The available data on variant occurrences in the general population are insufficient to allow any conclusion about variant significance. To our knowledge, no occurrence of c.256A>G in individuals affected with Developmental And Epileptic Encephalopathy, 34 and no experimental evidence demonstrating its impact on protein function have been reported. No submitters have cited clinical-significance assessments for this variant to ClinVar. Based on the evidence outlined above, the variant was classified as uncertain significance.